The following is an entry in ClinVar:

ClinVar aggregate classification (germline): Uncertain significance (1 of 4 stars; one submission).

Conditions:
Inborn genetic diseases. Identifiers: MedGen C0950123, MeSH D030342.

Submission:

Ambry Genetics
Classification: Uncertain significance for Hereditary disease. Last evaluated: 2014-12-17. Review status: criteria provided, single submitter. Criteria: ambry_reporting_categories_2017. Collection method: clinical testing. Allele origin: germline. Affected: yes. Observed: 1 heterozygote. Segregation with disease observed.
Comment: Lines of evidence used in support of classification: UNCERTAIN: Alteration(s) of Uncertain Clinical Significance Detected

Literature cited by the submitters: PubMed 24876791; PubMed 17765640; PubMed 17940072; PubMed 16470747; PubMed 19213023; PubMed 25884337; PubMed 26219744; PubMed 15263005; PubMed 25212744; PubMed 22670133; PubMed 2309781; PubMed 8988171.

NM_130839.5(UBE3A):c.151_153del (p.Cys51del)

Genes: SNHG14 (small nucleolar RNA host gene 14; plus strand), UBE3A (ubiquitin protein ligase E3A; minus strand). Cytogenetic location: 15q11.2.
Variant type: Deletion.
Coding change: c.151_153del on transcript NM_130839.5 (MANE Select); coding-DNA positions 151 to 153, 3 bases deleted (TGT; older notation c.151_153delTGT).
Protein change: p.Cys51del; deletes cysteine 51.
Molecular consequence: inframe deletion. On other transcripts: 5 prime UTR variant (1), non-coding transcript variant (1).
Genome position (GRCh38, 1-based): chr15:25,375,673-25,375,675, ACA deleted on the plus strand (TGT on the coding strand, the reverse complement: UBE3A is on the minus strand); deleting any 3 consecutive bases within chr15:25,375,673-25,375,676 gives the same sequence; the c. name uses the placement nearest the transcript's 3' end. VCF-style (leftmost placement, unchanged base first): chr15-25375672-CACA-C. GRCh37 (hg19) VCF-style: chr15-25620819-CACA-C.
Other names: c.160_162del, p.Cys54del (NM_000462.5); c.151_153del, p.Cys51del (NM_001354505.1, NM_001354538.2, NM_001354545.2 and 1 more transcripts); c.91_93del, p.Cys31del (NM_001354506.2, NM_001354507.2, NM_001354508.2 and 18 more transcripts); c.-27_-25del (NM_001354546.2); short protein forms C31del, C51del, C54del.
Identifiers: ClinVar variation 520593 (VCV000520593.3), dbSNP rs1555403188, ClinGen allele CA658798286.